The following is an entry in ClinVar:

NM_001273.5(CHD4):c.1263G>C (p.Trp421Cys)

Gene: CHD4 (chromodomain helicase DNA binding protein 4; minus strand). Cytogenetic location: 12p13.31.
Variant type: single nucleotide variant.
Coding change: c.1263G>C on transcript NM_001273.5 (MANE Select); coding-DNA position 1263, G replaced by C.
Protein change: p.Trp421Cys; replaces tryptophan 421 with cysteine.
Molecular consequence: missense variant.
Genome position (GRCh38, 1-based): chr12:6,599,992, C>G on the plus strand (G>C on the coding strand, the complement: CHD4 is on the minus strand). VCF-style: chr12-6599992-C-G. GRCh37 (hg19) VCF-style: chr12-6709158-C-G.
Other names: c.1242G>C, p.Trp414Cys (NM_001297553.2); c.1224G>C, p.Trp408Cys (NM_001363606.2); short protein forms W408C, W414C, W421C.
Identifiers: ClinVar variation 1305866 (VCV001305866.3), dbSNP rs2136223021, ClinGen allele CA383600928.

ClinVar aggregate classification (germline): Uncertain significance (1 of 4 stars; one submission).

Submission:

GeneDx
Classification: Uncertain significance. Last evaluated: 2025-02-13. Review status: criteria provided, single submitter. Criteria: GeneDx Variant Classification Process June 2021. Collection method: clinical testing. Allele origin: germline. Affected: yes.
Comment: Not observed at significant frequency in large population cohorts (gnomAD); In silico analysis supports that this missense variant has a deleterious effect on protein structure/function; Has not been previously published as pathogenic or benign to our knowledge